The following is an entry in ClinVar:

NM_020366.4(RPGRIP1):c.1802C>T (p.Ser601Leu)

Gene: RPGRIP1 (RPGR interacting protein 1; plus strand). Cytogenetic location: 14q11.2.
Variant type: single nucleotide variant.
Coding change: c.1802C>T on transcript NM_020366.4 (MANE Select); coding-DNA position 1802, C replaced by T.
Protein change: p.Ser601Leu; replaces serine 601 with leucine.
Molecular consequence: missense variant. On other transcripts: intron variant (3).
Genome position (GRCh38, 1-based): chr14:21,324,657, C>T. VCF-style: chr14-21324657-C-T. GRCh37 (hg19) VCF-style: chr14-21792816-C-T.
Other names: c.728C>T, p.Ser243Leu (NM_001377948.1, NM_001377949.1); c.688+2653C>T (NM_001377523.1, NM_001377950.1); c.190+2653C>T (NM_001377951.1); short protein forms S243L, S601L.
Identifiers: ClinVar variation 1025725 (VCV001025725.5), dbSNP rs3748360, ClinGen allele CA7089100.

ClinVar aggregate classification (germline): Uncertain significance (1 of 4 stars; one submission).

Conditions:
Cone-rod dystrophy 13 (CORD13). Identifiers: Orphanet 1872, MedGen C2750720, MONDO:0011987, OMIM 608194.
Leber congenital amaurosis 6 (LCA6). Identifiers: Orphanet 65, MedGen C1854260, MONDO:0013446, OMIM 613826.

Allele frequency attached by ClinVar (database versions not stated): TOPMed 0.00002.
gnomAD v4.1: 335 of 1,613,904 alleles (0.021%); highest among the groups gnomAD compares: East Asian, 0.63%; 2 homozygotes.

Submission:

Labcorp Genetics (formerly Invitae), Labcorp
Classification: Uncertain significance for Leber congenital amaurosis 6; Cone-rod dystrophy 13. Last evaluated: 2025-02-25. Review status: criteria provided, single submitter. Criteria: Invitae Variant Classification Sherloc (09022015). Collection method: clinical testing. Allele origin: germline.
Comment: This sequence change replaces serine, which is neutral and polar, with leucine, which is neutral and non-polar, at codon 601 of the RPGRIP1 protein (p.Ser601Leu). This variant is present in population databases (rs3748360, gnomAD 0.1%). This variant has not been reported in the literature in individuals affected with RPGRIP1-related conditions. ClinVar contains an entry for this variant (Variation ID: 1025725). Invitae Evidence Modeling of protein sequence and biophysical properties (such as structural, functional, and spatial information, amino acid conservation, physicochemical variation, residue mobility, and thermodynamic stability) indicates that this missense variant is expected to disrupt RPGRIP1 protein function with a positive predictive value of 80%. In summary, the available evidence is currently insufficient to determine the role of this variant in disease. Therefore, it has been classified as a Variant of Uncertain Significance.